The following is an entry in ClinVar:

NM_015631.6(TCTN3):c.977A>G (p.Tyr326Cys)

Gene: TCTN3 (tectonic family member 3; minus strand). Cytogenetic location: 10q24.1.
Variant type: single nucleotide variant.
Coding change: c.977A>G on transcript NM_015631.6 (MANE Select); coding-DNA position 977, A replaced by G.
Protein change: p.Tyr326Cys; replaces tyrosine 326 with cysteine.
Molecular consequence: missense variant. On other transcripts: intron variant (1).
Genome position (GRCh38, 1-based): chr10:95,684,617, T>C on the plus strand (A>G on the coding strand, the complement: TCTN3 is on the minus strand). VCF-style: chr10-95684617-T-C. GRCh37 (hg19) VCF-style: chr10-97444374-T-C.
Other names: c.652-988A>G (NM_001143973.2); c.977A>G (NM_015631.5); short protein forms Y326C.
Identifiers: ClinVar variation 1400642 (VCV001400642.4), dbSNP rs888502576, ClinGen allele CA211803821.
Genomic context (GRCh38, chr10:95,684,617, plus strand): 5'-GTTTGTCCCAAACTGACAGAAACTTTCTGGATTCCAAAAGTCCCATTGGTCTCTATCTCA[T>C]AGGTGACCTGAAATGCAAAAAGAATCAATTAATAAAAAGTAGTTATTGGGCCGAATATGT-3'
Protein context (NP_056446.4, residues 316-336): TCQNVVSQVT[Tyr326Cys]EIETNGTFGI

ClinVar aggregate classification (germline): Uncertain significance. Review status: criteria provided, multiple submitters, no conflicts (2 of 4 stars). 2 submissions from 2 submitters: Uncertain significance (2). Last evaluated 2023-07-05.

Conditions:
Inborn genetic diseases. Identifiers: MedGen C0950123, MeSH D030342.
Joubert syndrome 18 (JBTS18). Identifiers: Orphanet 2754, MedGen C3553758, MONDO:0013896, OMIM 614815.
Orofacial-digital syndrome IV (OFD4). Also called: BARAITSER-BURN SYNDROME; MOHR-MAJEWSKI SYNDROME; OFD SYNDROME WITH TIBIAL DEFECTS; OFD SYNDROME, BARAITSER-BURN TYPE; OFDS IV; ORAL-FACIAL-DIGITAL SYNDROME, TYPE IV. Identifiers: Orphanet 2753, MedGen C0406727, MONDO:0009794, OMIM 258860.

Allele frequency attached by ClinVar (database versions not stated): gnomAD exomes 0.00002 and 0.00005; TOPMed 0.00012; gnomAD 0.00015 and 0.00016.
gnomAD v4.1: 52 of 1,613,412 alleles (0.0032%); highest among the groups gnomAD compares: Admixed American, 0.048%; no homozygotes.

Submissions (2):

Ambry Genetics
Classification: Uncertain significance for Inborn genetic diseases. Last evaluated: 2023-07-05. Review status: criteria provided, single submitter. Criteria: Ambry Variant Classification Scheme 2023. Collection method: clinical testing. Allele origin: germline.

Labcorp Genetics (formerly Invitae), Labcorp
Classification: Uncertain significance for Joubert syndrome 18; Orofacial-digital syndrome IV. Last evaluated: 2022-10-24. Review status: criteria provided, single submitter. Criteria: Invitae Variant Classification Sherloc (09022015). Collection method: clinical testing. Allele origin: germline.
Comment: This sequence change replaces tyrosine, which is neutral and polar, with cysteine, which is neutral and slightly polar, at codon 326 of the TCTN3 protein (p.Tyr326Cys). This variant is present in population databases (no rsID available, gnomAD 0.02%). This variant has not been reported in the literature in individuals affected with TCTN3-related conditions. ClinVar contains an entry for this variant (Variation ID: 1400642). Advanced modeling of protein sequence and biophysical properties (such as structural, functional, and spatial information, amino acid conservation, physicochemical variation, residue mobility, and thermodynamic stability) performed at Invitae indicates that this missense variant is expected to disrupt TCTN3 protein function. In summary, the available evidence is currently insufficient to determine the role of this variant in disease. Therefore, it has been classified as a Variant of Uncertain Significance.